The following is an entry in ClinVar:

ClinVar aggregate classification (germline): Likely benign. Review status: criteria provided, single submitter (1 of 4 stars). 2 submissions from 2 submitters: Likely benign (1). 1 of the submissions does not count toward it. Last evaluated 2025-09-28.

Conditions:
X-linked intellectual disability Cabezas type (MRXSC). Also called: CABEZAS SYNDROME; MENTAL RETARDATION, X-LINKED, SYNDROMIC 15; Intellectual developmental disorder, X-linked syndromic, Cabezas type. Identifiers: Orphanet 85289, Orphanet 85293, MedGen C1845861, MONDO:0010306, OMIM 300354.
CUL4B-related disorder. Also called: CUL4B-related condition.

Allele frequency attached by ClinVar (database versions not stated): gnomAD 0.00001; gnomAD exomes 0.00001; TOPMed 0.00001.
gnomAD v4.1: 10 of 1,153,223 alleles (0.00087%); highest among the groups gnomAD compares: Non-Finnish European, 0.0012%; no homozygotes.

Submissions (2):

Labcorp Genetics (formerly Invitae), Labcorp
Classification: Likely benign for X-linked intellectual disability Cabezas type. Last evaluated: 2025-09-28. Review status: criteria provided, single submitter. Criteria: Invitae Variant Classification Sherloc (09022015). Collection method: clinical testing. Allele origin: germline.

PreventionGenetics, part of Exact Sciences
Classification: Likely benign for CUL4B-related condition. Last evaluated: 2024-02-16. Review status: no assertion criteria provided. Collection method: clinical testing. Allele origin: germline. Not counted in ClinVar's aggregate classification.
Comment: This variant is classified as likely benign based on ACMG/AMP sequence variant interpretation guidelines (Richards et al. 2015 PMID: 25741868, with internal and published modifications).

NM_001079872.2(CUL4B):c.849C>A (p.Ile283=)

Gene: CUL4B (cullin 4B; minus strand). Cytogenetic location: Xq24.
Variant type: single nucleotide variant.
Coding change: c.849C>A on transcript NM_001079872.2 (MANE Select); coding-DNA position 849, C replaced by A.
Protein change: p.Ile283=; no amino-acid change (isoleucine 283 retained).
Molecular consequence: synonymous variant.
Genome position (GRCh38, 1-based): chrX:120,545,515, G>T on the plus strand (C>A on the coding strand, the complement: CUL4B is on the minus strand). VCF-style: chrX-120545515-G-T. GRCh37 (hg19) VCF-style: chrX-119679370-G-T.
Other names: c.864C>A, p.Ile288= (NM_001330624.2); c.315C>A, p.Ile105= (NM_001369145.1); c.903C>A, p.Ile301= (NM_003588.4).
Identifiers: ClinVar variation 3044905 (VCV003044905.3), dbSNP rs765601942, ClinGen allele CA10505617.